The following is an entry in ClinVar:

ClinVar aggregate classification (germline): Uncertain significance (1 of 4 stars; one submission).

Conditions:
Anemia, nonspherocytic hemolytic, due to G6PD deficiency (CNSHA1). Also called: Hemolytic anemia due to G6PD deficiency; Class I glucose-6-phosphate dehydrogenase deficiency; Favism, susceptibility to; ANEMIA, CONGENITAL, NONSPHEROCYTIC HEMOLYTIC, 1. Identifiers: Orphanet 466026, MedGen C2720289, MONDO:0010480, OMIM 300908.

Allele frequency attached by ClinVar (database versions not stated): gnomAD exomes 0.00003; ESP Exome Variant Server 0.00009; ExAC 0.00001; gnomAD 0.00002; TOPMed 0.00002.
gnomAD v4.1: 31 of 1,208,692 alleles (0.0026%); highest among the groups gnomAD compares: Non-Finnish European, 0.0034%; no homozygotes.

Submission:

Labcorp Genetics (formerly Invitae), Labcorp
Classification: Uncertain significance for Anemia, nonspherocytic hemolytic, due to G6PD deficiency. Last evaluated: 2025-05-07. Review status: criteria provided, single submitter. Criteria: Invitae Variant Classification Sherloc (09022015). Collection method: clinical testing. Allele origin: germline.
Comment: This sequence change replaces threonine, which is neutral and polar, with serine, which is neutral and polar, at codon 506 of the G6PD protein (p.Thr506Ser). This variant is present in population databases (rs375285369, gnomAD 0.001%). This variant has not been reported in the literature in individuals affected with G6PD-related conditions. ClinVar contains an entry for this variant (Variation ID: 2085325). Invitae Evidence Modeling of protein sequence and biophysical properties (such as structural, functional, and spatial information, amino acid conservation, physicochemical variation, residue mobility, and thermodynamic stability) indicates that this missense variant is expected to disrupt G6PD protein function with a positive predictive value of 95%. In summary, the available evidence is currently insufficient to determine the role of this variant in disease. Therefore, it has been classified as a Variant of Uncertain Significance.

NM_001360016.2(G6PD):c.1517C>G (p.Thr506Ser)

Gene: G6PD (glucose-6-phosphate dehydrogenase; minus strand). Cytogenetic location: Xq28.
Variant type: single nucleotide variant.
Coding change: c.1517C>G on transcript NM_001360016.2 (MANE Select); coding-DNA position 1517, C replaced by G.
Protein change: p.Thr506Ser; replaces threonine 506 with serine.
Molecular consequence: missense variant.
Genome position (GRCh38, 1-based): chrX:154,532,031, G>C on the plus strand (C>G on the coding strand, the complement: G6PD is on the minus strand). VCF-style: chrX-154532031-G-C. GRCh37 (hg19) VCF-style: chrX-153760246-G-C.
Other names: c.1607C>G, p.Thr536Ser (NM_000402.4); c.1517C>G, p.Thr506Ser (NM_001042351.3); short protein forms T506S, T536S.
Identifiers: ClinVar variation 2085325 (VCV002085325.2), dbSNP rs375285369, ClinGen allele CA10565979.
Genomic context (GRCh38, chrX:154,532,031, plus strand): 5'-TGGCGGGGGTGGAGGTGGGTGCCCAGGGCTCAGAGCTTGTGGGGGTTCACCCACTTGTAG[G>C]TGCCCTCATACTGGAAACCCACTCTCTTCATCAGCTCGTCTGCCTCCGTGGGGCCTCGGC-3'
Protein context (NP_001346945.1, residues 496-515): MKRVGFQYEG[Thr506Ser]YKWVNPHKL